The following is an entry in ClinVar:

ClinVar aggregate classification (germline): Uncertain significance. Review status: criteria provided, multiple submitters, no conflicts (2 of 4 stars). 3 submissions from 3 submitters: Uncertain significance (3). Last evaluated 2025-11-25.

Allele frequency attached by ClinVar (database versions not stated): gnomAD 0.00001; gnomAD exomes 0.00001 and 0.00003; TOPMed 0.00002; ExAC 0.00003; ESP Exome Variant Server 0.00008.
gnomAD v4.1: 22 of 1,614,058 alleles (0.0014%); highest among the groups gnomAD compares: Middle Eastern, 0.016%; no homozygotes.

Submissions (3):

Labcorp Genetics (formerly Invitae), Labcorp
Classification: Uncertain significance. Last evaluated: 2025-11-25. Review status: criteria provided, single submitter. Criteria: Invitae Variant Classification Sherloc (09022015). Collection method: clinical testing. Allele origin: germline.
Comment: This sequence change replaces arginine, which is basic and polar, with cysteine, which is neutral and slightly polar, at codon 229 of the TUBA8 protein (p.Arg229Cys). This variant is present in population databases (rs368024462, gnomAD 0.01%). This variant has not been reported in the literature in individuals affected with TUBA8-related conditions. ClinVar contains an entry for this variant (Variation ID: 1430675). Invitae Evidence Modeling of protein sequence and biophysical properties (such as structural, functional, and spatial information, amino acid conservation, physicochemical variation, residue mobility, and thermodynamic stability) has been performed for this missense variant. However, the output from this modeling did not meet the statistical confidence thresholds required to predict the impact of this variant on TUBA8 protein function. In summary, the available evidence is currently insufficient to determine the role of this variant in disease. Therefore, it has been classified as a Variant of Uncertain Significance.

Ambry Genetics
Classification: Uncertain significance. Last evaluated: 2025-06-08. Review status: criteria provided, single submitter. Criteria: Ambry Variant Classification Scheme 2023. Collection method: clinical testing. Allele origin: germline.

GeneDx
Classification: Uncertain significance. Last evaluated: 2024-09-10. Review status: criteria provided, single submitter. Criteria: GeneDx Variant Classification Process June 2021. Collection method: clinical testing. Allele origin: germline. Affected: yes.
Comment: Not observed at significant frequency in large population cohorts (gnomAD); In silico analysis supports that this missense variant has a deleterious effect on protein structure/function; Has not been previously published as pathogenic or benign to our knowledge

NM_018943.3(TUBA8):c.685C>T (p.Arg229Cys)

Gene: TUBA8 (tubulin alpha 8; plus strand). Cytogenetic location: 22q11.21.
Variant type: single nucleotide variant.
Coding change: c.685C>T on transcript NM_018943.3 (MANE Select); coding-DNA position 685, C replaced by T.
Protein change: p.Arg229Cys; replaces arginine 229 with cysteine.
Molecular consequence: missense variant.
Genome position (GRCh38, 1-based): chr22:18,126,663, C>T. VCF-style: chr22-18126663-C-T. GRCh37 (hg19) VCF-style: chr22-18609430-C-T.
Other names: c.685C>T (NM_018943.2); c.487C>T, p.Arg163Cys (NM_001193414.2); short protein forms R163C, R229C.
Identifiers: ClinVar variation 1430675 (VCV001430675.10), dbSNP rs368024462, ClinGen allele CA10093733.
Genomic context (GRCh38, chr22:18,126,663, plus strand): 5'-ATCTATGACATCTGCCGCAGGAACCTTGACATTGAGCGCCCTACCTATACCAACCTCAAC[C>T]GCCTCATCAGTCAGATTGTGTCCTCAATCACTGCTTCTCTCCGCTTTGACGGGGCCCTCA-3'
Protein context (NP_061816.1, residues 219-239): IERPTYTNLN[Arg229Cys]LISQIVSSIT